The following is an entry in ClinVar:

NM_004408.4(DNM1):c.373T>C (p.Tyr125His)

Genes: DNM1 (dynamin 1; plus strand), LOC113839516 (Sharpr-MPRA regulatory region 8497; plus strand). Cytogenetic location: 9q34.11.
Variant type: single nucleotide variant.
Coding change: c.373T>C on transcript NM_004408.4 (MANE Select); coding-DNA position 373, T replaced by C.
Protein change: p.Tyr125His; replaces tyrosine 125 with histidine.
Molecular consequence: missense variant.
Genome position (GRCh38, 1-based): chr9:128,218,719, T>C. VCF-style: chr9-128218719-T-C. GRCh37 (hg19) VCF-style: chr9-130980998-T-C.
Other names: c.373T>C, p.Tyr125His (NM_001288739.2, NM_001374269.1, NM_001005336.3 and 2 more transcripts); short protein forms Y125H.
Identifiers: ClinVar variation 5007390 (VCV005007390.2).

ClinVar aggregate classification (germline): Uncertain significance (1 of 4 stars; one submission).

Conditions:
Developmental and epileptic encephalopathy, 31B. Also called: Developmental and epileptic encephalopathy 31B, autosomal recessive. Identifiers: MedGen C5830459, MONDO:0957248, OMIM 620352.
Developmental and epileptic encephalopathy, 31A. Also called: Epileptic encephalopathy, early infantile, 31; Developmental and epileptic encephalopathy, 31. Identifiers: Orphanet 2382, MedGen C4225357, MONDO:0014598, OMIM 616346.

gnomAD v4.1: 1 of 1,603,004 alleles (0.000062%); no homozygotes.

Submission:

Juno Genomics, Hangzhou Juno Genomics, Inc
Classification: Uncertain significance for Developmental and epileptic encephalopathy, 31A; Developmental and epileptic encephalopathy, 31B. Review status: criteria provided, single submitter. Criteria: ACMG Guidelines, 2015. Collection method: clinical testing. Allele origin: germline.
Comment: Absent from controls (or at extremely low frequency if recessive) in Genome Aggregation Database.;Multiple lines of computational evidence support a deleterious effect on the gene or gene product.